The following is an entry in ClinVar:

ClinVar aggregate classification (germline): Uncertain significance. Review status: criteria provided, multiple submitters, no conflicts (2 of 4 stars). 2 submissions from 2 submitters: Uncertain significance (2). Last evaluated 2025-04-21.

Conditions:
Neutropenia, severe congenital, 2, autosomal dominant. Identifiers: Orphanet 486, MedGen C2751288, MONDO:0013139, OMIM 613107.

gnomAD v4.1: 1 of 1,550,410 alleles (0.000064%); highest among the groups gnomAD compares: Non-Finnish European, 0.000087%; no homozygotes.

Submissions (2):

Ambry Genetics
Classification: Uncertain significance. Last evaluated: 2025-04-21. Review status: criteria provided, single submitter. Criteria: Ambry Variant Classification Scheme 2023. Collection method: clinical testing. Allele origin: germline.
Comment: The p.G280S variant (also known as c.838G>A), located in coding exon 4 of the GFI1 gene, results from a G to A substitution at nucleotide position 838. The glycine at codon 280 is replaced by serine, an amino acid with similar properties. This amino acid position is conserved. In addition, this alteration is predicted to be tolerated by in silico analysis. Based on the available evidence, the clinical significance of this variant remains unclear.

Labcorp Genetics (formerly Invitae), Labcorp
Classification: Uncertain significance for Neutropenia, severe congenital, 2, autosomal dominant. Last evaluated: 2024-04-17. Review status: criteria provided, single submitter. Criteria: Invitae Variant Classification Sherloc (09022015). Collection method: clinical testing. Allele origin: germline.
Comment: This sequence change replaces glycine, which is neutral and non-polar, with serine, which is neutral and polar, at codon 280 of the GFI1 protein (p.Gly280Ser). This variant is not present in population databases (gnomAD no frequency). This variant has not been reported in the literature in individuals affected with GFI1-related conditions. Advanced modeling of protein sequence and biophysical properties (such as structural, functional, and spatial information, amino acid conservation, physicochemical variation, residue mobility, and thermodynamic stability) performed at Invitae indicates that this missense variant is not expected to disrupt GFI1 protein function with a negative predictive value of 80%. In summary, the available evidence is currently insufficient to determine the role of this variant in disease. Therefore, it has been classified as a Variant of Uncertain Significance.

NM_005263.5(GFI1):c.838G>A (p.Gly280Ser)

Gene: GFI1 (growth factor independent 1 transcriptional repressor; minus strand). Cytogenetic location: 1p22.1.
Variant type: single nucleotide variant.
Coding change: c.838G>A on transcript NM_005263.5 (MANE Select); coding-DNA position 838, G replaced by A.
Protein change: p.Gly280Ser; replaces glycine 280 with serine.
Molecular consequence: missense variant.
Genome position (GRCh38, 1-based): chr1:92,480,434, C>T on the plus strand (G>A on the coding strand, the complement: GFI1 is on the minus strand). VCF-style: chr1-92480434-C-T. GRCh37 (hg19) VCF-style: chr1-92945991-C-T.
Other names: c.838G>A, p.Gly280Ser (NM_001127215.3, NM_001127216.3); short protein forms G280S.
Identifiers: ClinVar variation 3650268 (VCV003650268.3).
Genomic context (GRCh38, chr1:92,480,434, plus strand): 5'-CCAGGCTCACCGCGTGCCCGAAGGTCTTGCCGCACATCTCGCAGGCAAAGGGTCTGGTAC[C>T]GCTGTGGGACCTGCGCACGTGCACCTCGAGCCCGTGCGGCGTGGAGAACACCTAAGGCGG-3'
Protein context (NP_005254.2, residues 270-290): LEVHVRRSHS[Gly280Ser]TRPFACEMCG